The following is an entry in ClinVar:

ClinVar aggregate classification (germline): Uncertain significance. Review status: criteria provided, multiple submitters, no conflicts (2 of 4 stars). 3 submissions from 3 submitters: Uncertain significance (3). Last evaluated 2024-11-04.

Conditions:
Myofibrillar myopathy 5. Also called: Filaminopathy (type); FILAMINOPATHY, AUTOSOMAL DOMINANT. Identifiers: Orphanet 171445, MedGen C1836050, MONDO:0012289, OMIM 609524.
Distal myopathy with posterior leg and anterior hand involvement. Also called: WILLIAMS DISTAL MYOPATHY. Identifiers: Orphanet 63273, MedGen C3279722, MONDO:0013550, OMIM 614065.
Hypertrophic cardiomyopathy 26. Also called: Cardiomyopathy, familial hypertrophic, 26. Identifiers: Orphanet 75249, MedGen C4310749, MONDO:0014883, OMIM 617047.
Dilated Cardiomyopathy, Dominant.
Cardiovascular phenotype. Identifiers: MedGen CN230736.

Allele frequency attached by ClinVar (database versions not stated): ExAC 0.00001; TOPMed 0.00001; gnomAD exomes 0.00002; ESP Exome Variant Server 0.00008.
gnomAD v4.1: 32 of 1,613,984 alleles (0.002%); highest among the groups gnomAD compares: Non-Finnish European, 0.0024%; no homozygotes.

Submissions (3):

Ambry Genetics
Classification: Uncertain significance for Cardiovascular phenotype. Last evaluated: 2024-11-04. Review status: criteria provided, single submitter. Criteria: Ambry Variant Classification Scheme 2023. Collection method: clinical testing. Allele origin: germline.
Comment: The p.R695C variant (also known as c.2083C>T), located in coding exon 13 of the FLNC gene, results from a C to T substitution at nucleotide position 2083. The arginine at codon 695 is replaced by cysteine, an amino acid with highly dissimilar properties. This amino acid position is well conserved in available vertebrate species. In addition, the in silico prediction for this alteration is inconclusive. Based on the available evidence, the clinical significance of this variant remains unclear.

Blueprint Genetics
Classification: Uncertain significance. Last evaluated: 2024-09-04. Review status: criteria provided, single submitter. Criteria: ACMG Guidelines, 2015. Collection method: clinical testing. Allele origin: germline.

Labcorp Genetics (formerly Invitae), Labcorp
Classification: Uncertain significance for Distal myopathy with posterior leg and anterior hand involvement; Myofibrillar myopathy 5; Hypertrophic cardiomyopathy 26. Last evaluated: 2024-02-12. Review status: criteria provided, single submitter. Criteria: Invitae Variant Classification Sherloc (09022015). Collection method: clinical testing. Allele origin: germline.
Comment: This sequence change replaces arginine, which is basic and polar, with cysteine, which is neutral and slightly polar, at codon 695 of the FLNC protein (p.Arg695Cys). This variant is present in population databases (rs377314946, gnomAD 0.004%). This variant has not been reported in the literature in individuals affected with FLNC-related conditions. ClinVar contains an entry for this variant (Variation ID: 2070191). Advanced modeling of protein sequence and biophysical properties (such as structural, functional, and spatial information, amino acid conservation, physicochemical variation, residue mobility, and thermodynamic stability) has been performed at Invitae for this missense variant, however the output from this modeling did not meet the statistical confidence thresholds required to predict the impact of this variant on FLNC protein function. In summary, the available evidence is currently insufficient to determine the role of this variant in disease. Therefore, it has been classified as a Variant of Uncertain Significance.

NM_001458.5(FLNC):c.2083C>T (p.Arg695Cys)

Gene: FLNC (filamin C; plus strand). Cytogenetic location: 7q32.1.
Variant type: single nucleotide variant.
Coding change: c.2083C>T on transcript NM_001458.5 (MANE Select); coding-DNA position 2083, C replaced by T.
Protein change: p.Arg695Cys; replaces arginine 695 with cysteine.
Molecular consequence: missense variant.
Genome position (GRCh38, 1-based): chr7:128,841,529, C>T. VCF-style: chr7-128841529-C-T. GRCh37 (hg19) VCF-style: chr7-128481583-C-T.
Other names: c.2083C>T, p.Arg695Cys (NM_001127487.2); short protein forms R695C.
Identifiers: ClinVar variation 2070191 (VCV002070191.4), dbSNP rs377314946, ClinGen allele CA4474585.